The following is an entry in ClinVar:

ClinVar aggregate classification (germline): Pathogenic (1 of 4 stars; one submission).

Conditions:
Long QT syndrome (LQTS). Identifiers: MedGen C0023976, MeSH D008133, MONDO:0002442. Disease mechanism: loss of function. Inheritance: Various modes of inheritance.

Submission:

Labcorp Genetics (formerly Invitae), Labcorp
Classification: Pathogenic for Long QT syndrome. Last evaluated: 2025-04-24. Review status: criteria provided, single submitter. Criteria: Invitae Variant Classification Sherloc (09022015). Collection method: clinical testing. Allele origin: germline.
Comment: This sequence change replaces asparagine, which is neutral and polar, with histidine, which is basic and polar, at codon 633 of the KCNH2 protein (p.Asn633His). This variant is not present in population databases (gnomAD no frequency). This missense change has been observed in individual(s) with long QT syndrome (internal data). In at least one individual the variant was observed to be de novo. ClinVar contains an entry for this variant (Variation ID: 1001814). An algorithm developed to predict the effect of missense changes on protein structure and function (PolyPhen-2) suggests that this variant is likely to be disruptive. This variant disrupts the p.Asn633 amino acid residue in KCNH2. Other variant(s) that disrupt this residue have been determined to be pathogenic (PMID: 9544837, 17088455, 19996378, 22949429). This suggests that this residue is clinically significant, and that variants that disrupt this residue are likely to be disease-causing. For these reasons, this variant has been classified as Pathogenic.

Literature cited by the submitters: PubMed 9544837; PubMed 17088455; PubMed 19996378; PubMed 22949429.

NM_000238.4(KCNH2):c.1897A>C (p.Asn633His)

Gene: KCNH2 (potassium voltage-gated channel subfamily H member 2; minus strand). Cytogenetic location: 7q36.1.
Variant type: single nucleotide variant.
Coding change: c.1897A>C on transcript NM_000238.4 (MANE Select); coding-DNA position 1897, A replaced by C.
Protein change: p.Asn633His; replaces asparagine 633 with histidine.
Molecular consequence: missense variant.
Genome position (GRCh38, 1-based): chr7:150,951,496, T>G on the plus strand (A>C on the coding strand, the complement: KCNH2 is on the minus strand). VCF-style: chr7-150951496-T-G. GRCh37 (hg19) VCF-style: chr7-150648584-T-G.
Other names: c.877A>C, p.Asn293His (NM_001204798.2, NM_172057.3); c.1609A>C, p.Asn537His (NM_001406753.1, NM_001406756.1); c.1720A>C, p.Asn574His (NM_001406755.1); c.1597A>C, p.Asn533His (NM_001406757.1); c.1897A>C, p.Asn633His (NM_172056.3); short protein forms N293H, N633H, N574H, N533H, N537H.
Identifiers: ClinVar variation 1001814 (VCV001001814.9), dbSNP rs199472960, ClinGen allele CA369857883.